The following is an entry in ClinVar:

ClinVar aggregate classification (germline): Uncertain significance (1 of 4 stars; one submission).

gnomAD v4.1: 2 of 1,614,184 alleles (0.00012%); highest among the groups gnomAD compares: Non-Finnish European, 0.00017%; no homozygotes.

Submission:

Women's Health and Genetics/Laboratory Corporation of America, LabCorp
Classification: Uncertain significance. Last evaluated: 2025-07-03. Review status: criteria provided, single submitter. Criteria: LabCorp Variant Classification Summary - May 2015. Collection method: clinical testing. Allele origin: germline.
Comment: Variant summary: ASXL1 c.4370C>T (p.Ser1457Phe) results in a non-conservative amino acid change in the encoded protein sequence. Algorithms developed to predict the effect of missense changes on protein structure and function are either unavailable or do not agree on the potential impact of this missense change. The variant was absent in 251450 control chromosomes. The available data on variant occurrences in the general population are insufficient to allow any conclusion about variant significance. To our knowledge, no occurrence of c.4370C>T in individuals affected with Bohring-Opitz Syndrome and no experimental evidence demonstrating its impact on protein function have been reported. No submitters have cited clinical-significance assessments for this variant to ClinVar. Based on the evidence outlined above, the variant was classified as uncertain significance.

NM_015338.6(ASXL1):c.4370C>T (p.Ser1457Phe)

Gene: ASXL1 (ASXL transcriptional regulator 1; plus strand). Cytogenetic location: 20q11.21.
Variant type: single nucleotide variant.
Coding change: c.4370C>T on transcript NM_015338.6 (MANE Select); coding-DNA position 4370, C replaced by T.
Protein change: p.Ser1457Phe; replaces serine 1457 with phenylalanine.
Molecular consequence: missense variant.
Genome position (GRCh38, 1-based): chr20:32,437,082, C>T. VCF-style: chr20-32437082-C-T. GRCh37 (hg19) VCF-style: chr20-31024885-C-T.
Other names: c.4187C>T, p.Ser1396Phe (NM_001363734.1); short protein forms S1396F, S1457F.
Identifiers: ClinVar variation 3911936 (VCV003911936.2).